The following is an entry in ClinVar:

NM_001267550.2(TTN):c.4998A>T (p.Thr1666=)

Gene: TTN (titin; minus strand). Cytogenetic location: 2q31.2.
Variant type: single nucleotide variant.
Coding change: c.4998A>T on transcript NM_001267550.2 (MANE Select); coding-DNA position 4998, A replaced by T.
Protein change: p.Thr1666=; no amino-acid change (threonine 1666 retained).
Molecular consequence: synonymous variant.
Genome position (GRCh38, 1-based): chr2:178,776,866, T>A on the plus strand (A>T on the coding strand, the complement: TTN is on the minus strand). VCF-style: chr2-178776866-T-A. GRCh37 (hg19) VCF-style: chr2-179641593-T-A.
Other names: p.T1666T:ACA>ACT; c.4998A>T, p.Thr1666= (NM_001256850.1, NM_133378.4, NM_133379.5); c.4860A>T, p.Thr1620= (NM_003319.4, NM_133432.3, NM_133437.4).
Identifiers: ClinVar variation 137822 (VCV000137822.22), dbSNP rs139054950, ClinGen allele CA291502.

ClinVar aggregate classification (germline): Benign/Likely benign. Review status: criteria provided, multiple submitters, no conflicts (2 of 4 stars). 10 submissions from 7 submitters: Benign (5); Likely benign (5). Last evaluated 2026-03-27.

Conditions:
Cardiovascular phenotype. Identifiers: MedGen CN230736.
TTN-related disorder. Also called: TTN-related condition; TTN-related disease; TTN-related disorders.
Dilated cardiomyopathy 1G (CMD1G). Identifiers: Orphanet 154, MedGen C1858763, MONDO:0011400, OMIM 604145.
Autosomal recessive limb-girdle muscular dystrophy type 2J (LGMDR10). Also called: Limb-girdle muscular dystrophy, type 2J; MUSCULAR DYSTROPHY, LIMB-GIRDLE, AUTOSOMAL RECESSIVE 10. Identifiers: Orphanet 140922, MedGen C1837342, MONDO:0012127, OMIM 608807.
Early-onset myopathy with fatal cardiomyopathy (CMYO5). Also called: Salih Myopathy; CONGENITAL MYOPATHY 5 WITH CARDIOMYOPATHY. Identifiers: Orphanet 289377, MedGen C2673677, MONDO:0012714, OMIM 611705. Disease mechanism: loss of function.
Myopathy, myofibrillar, 9, with early respiratory failure (MFM9). Also called: Hereditary myopathy with early respiratory failure; MYOPATHY, PROXIMAL, WITH EARLY RESPIRATORY MUSCLE INVOLVEMENT; Myopathy, distal, with early respiratory failure, autosomal dominant; EDSTROM MYOPATHY. Identifiers: Orphanet 178464, Orphanet 34521, MedGen C1863599, MONDO:0011362, OMIM 603689.
Tibial muscular dystrophy (TMD). Also called: UDD MYOPATHY; Tibial muscular dystrophy, tardive; Udd Distal Myopathy – Tibial Muscular Dystrophy. Identifiers: Orphanet 609, MedGen C1838244, MONDO:0010870, OMIM 600334.

Allele frequency attached by ClinVar (database versions not stated): gnomAD 0.00008 and 0.00005; TOPMed 0.00010; 1000 Genomes Project 30x 0.00031; 1000 Genomes Project 0.00040; gnomAD exomes 0.00004; ExAC 0.00006.
gnomAD v4.1: 29 of 1,613,676 alleles (0.0018%); highest among the groups gnomAD compares: African/African-American, 0.032%; 1 homozygote.

Submissions (10):

Molecular Diagnostic Laboratory for Inherited Cardiovascular Disease, Montreal Heart Institute
Classification: Likely benign. Last evaluated: 2026-03-27. Review status: criteria provided, single submitter. Criteria: ACMG Guidelines, 2015. Collection method: clinical testing. Allele origin: germline. Affected: no.
Comment: BS1;BP7

PreventionGenetics, part of Exact Sciences
Classification: Likely benign for TTN-related condition. Last evaluated: 2025-11-27. Review status: criteria provided, single submitter. Criteria: ACMG Guidelines, 2015. Collection method: clinical testing. Allele origin: germline.
Comment: This variant is classified as likely benign based on ACMG/AMP sequence variant interpretation guidelines (Richards et al. 2015 PMID: 25741868, with internal and published modifications).

Labcorp Genetics (formerly Invitae), Labcorp
Classification: Likely benign for Dilated cardiomyopathy 1G; Autosomal recessive limb-girdle muscular dystrophy type 2J. Last evaluated: 2025-11-11. Review status: criteria provided, single submitter. Criteria: Invitae Variant Classification Sherloc (09022015). Collection method: clinical testing. Allele origin: germline.

Genome-Nilou Lab
Classification: Benign for Autosomal recessive limb-girdle muscular dystrophy type 2J. Last evaluated: 2021-09-10. Review status: criteria provided, single submitter. Criteria: ACMG Guidelines, 2015. Collection method: clinical testing. Allele origin: germline. Affected: no.

Genome-Nilou Lab
Classification: Benign for Myopathy, myofibrillar, 9, with early respiratory failure. Last evaluated: 2021-09-10. Review status: criteria provided, single submitter. Criteria: ACMG Guidelines, 2015. Collection method: clinical testing. Allele origin: germline. Affected: no.

Genome-Nilou Lab
Classification: Benign for Early-onset myopathy with fatal cardiomyopathy. Last evaluated: 2021-09-10. Review status: criteria provided, single submitter. Criteria: ACMG Guidelines, 2015. Collection method: clinical testing. Allele origin: germline. Affected: no.

Genome-Nilou Lab
Classification: Benign for Tibial muscular dystrophy. Last evaluated: 2021-09-10. Review status: criteria provided, single submitter. Criteria: ACMG Guidelines, 2015. Collection method: clinical testing. Allele origin: germline. Affected: no.

ARUP Laboratories, Molecular Genetics and Genomics, ARUP Laboratories
Classification: Likely benign. Last evaluated: 2020-10-01. Review status: criteria provided, single submitter. Criteria: ARUP Molecular Germline Variant Investigation Process 2021. Collection method: clinical testing. Allele origin: germline.

Ambry Genetics
Classification: Likely benign for Cardiovascular phenotype. Last evaluated: 2019-11-08. Review status: criteria provided, single submitter. Criteria: Ambry Variant Classification Scheme 2023. Collection method: clinical testing. Allele origin: germline.

GeneDx
Classification: Benign. Last evaluated: 2014-02-12. Review status: criteria provided, single submitter. Criteria: GeneDx Variant Classification (06012015). Collection method: clinical testing. Allele origin: germline. Affected: yes.
Comment: This variant is considered likely benign or benign based on one or more of the following criteria: it is a conservative change, it occurs at a poorly conserved position in the protein, it is predicted to be benign by multiple in silico algorithms, and/or has population frequency not consistent with disease.